The following is an entry in ClinVar:

ClinVar aggregate classification (germline): Uncertain significance. Review status: criteria provided, multiple submitters, no conflicts (2 of 4 stars). 2 submissions from 2 submitters: Uncertain significance (2). Last evaluated 2025-08-01.

Conditions:
Primary ciliary dyskinesia. Also called: Ciliary dyskinesia. Identifiers: Orphanet 244, MedGen C0008780, MONDO:0016575, HP:0012265.

Submissions (2):

Ambry Genetics
Classification: Uncertain significance. Last evaluated: 2025-08-01. Review status: criteria provided, single submitter. Criteria: Ambry Variant Classification Scheme 2023. Collection method: clinical testing. Allele origin: germline.

Labcorp Genetics (formerly Invitae), Labcorp
Classification: Uncertain significance for Primary ciliary dyskinesia. Last evaluated: 2024-01-10. Review status: criteria provided, single submitter. Criteria: Invitae Variant Classification Sherloc (09022015). Collection method: clinical testing. Allele origin: germline.
Comment: This sequence change replaces glutamic acid, which is acidic and polar, with glycine, which is neutral and non-polar, at codon 52 of the DNAH8 protein (p.Glu52Gly). This variant is not present in population databases (gnomAD no frequency). This variant has not been reported in the literature in individuals affected with DNAH8-related conditions. Algorithms developed to predict the effect of missense changes on protein structure and function output the following: SIFT: "Not Available"; PolyPhen-2: "Not Available"; Align-GVGD: "Not Available". The glycine amino acid residue is found in multiple mammalian species, which suggests that this missense change does not adversely affect protein function. In summary, the available evidence is currently insufficient to determine the role of this variant in disease. Therefore, it has been classified as a Variant of Uncertain Significance.

NM_001206927.2(DNAH8):c.155A>G (p.Glu52Gly)

Genes: DNAH8 (dynein axonemal heavy chain 8; plus strand), LOC126859667 (BRD4-independent group 4 enhancer GRCh37_chr6:38690326-38691525; plus strand). Cytogenetic location: 6p21.2.
Variant type: single nucleotide variant.
Coding change: c.155A>G on transcript NM_001206927.2 (MANE Select); coding-DNA position 155, A replaced by G.
Protein change: p.Glu52Gly; replaces glutamic acid 52 with glycine.
Molecular consequence: missense variant. On other transcripts: 5 prime UTR variant (1).
Genome position (GRCh38, 1-based): chr6:38,722,964, A>G. VCF-style: chr6-38722964-A-G. GRCh37 (hg19) VCF-style: chr6-38690740-A-G.
Other names: c.-412A>G (NM_001371.4); c.155A>G (NM_001206927.1); short protein forms E52G.
Identifiers: ClinVar variation 2975339 (VCV002975339.4), dbSNP rs750174047, ClinGen allele CA363984537.
Genomic context (GRCh38, chr6:38,722,964, plus strand): 5'-AGGCCCCGCGCCCTCCGACAGTGGAGGCCCCGGCAGAAGATGGTTTCTCTCCTTCCGCAG[A>G]AGATGCTGTTTCTTCTGTGGTGGATTATCGGGATCTCATTCCTTCTGAAGAAGGGATAGT-3'
Protein context (NP_001193856.1, residues 42-62): PAEDGFSPSA[Glu52Gly]DAVSSVVDYR